The following is an entry in ClinVar:

NM_024809.5(TCTN2):c.1379A>C (p.His460Pro)

Gene: TCTN2 (tectonic family member 2; plus strand). Cytogenetic location: 12q24.31.
Variant type: single nucleotide variant.
Coding change: c.1379A>C on transcript NM_024809.5 (MANE Select); coding-DNA position 1379, A replaced by C.
Protein change: p.His460Pro; replaces histidine 460 with proline.
Molecular consequence: missense variant.
Genome position (GRCh38, 1-based): chr12:123,696,481, A>C. VCF-style: chr12-123696481-A-C. GRCh37 (hg19) VCF-style: chr12-124181028-A-C.
Other names: c.1376A>C, p.His459Pro (NM_001143850.3); c.1244A>C, p.His415Pro (NM_001410989.1); c.1379A>C (NM_024809.3); short protein forms H415P, H460P, H459P.
Identifiers: ClinVar variation 1896021 (VCV001896021.5), dbSNP rs770515038, ClinGen allele CA6861190.
Genomic context (GRCh38, chr12:123,696,481, plus strand): 5'-AACTTGGCAAGCCTGTCCGAGCTCTAAATATCAACAGGATGAATAATGTCACGACTTTAC[A>C]TCTTTGGCAATCGGGTAATCCGGTTTGGTCATTATGATTAGCCCTTTGGCAAATTGGTGT-3'
Protein context (NP_079085.2, residues 450-470): INRMNNVTTL[His460Pro]LWQSAGRGLC

ClinVar aggregate classification (germline): Uncertain significance. Review status: criteria provided, multiple submitters, no conflicts (2 of 4 stars). 3 submissions from 3 submitters: Uncertain significance (3). Last evaluated 2025-09-28.

Conditions:
Inborn genetic diseases. Identifiers: MedGen C0950123, MeSH D030342.
Joubert syndrome. Also called: Familial aplasia of the vermis; JOUBERT-BOLTSHAUSER SYNDROME. Identifiers: Orphanet 475, MedGen C5979921, MONDO:0018772.
Meckel-Gruber syndrome. Also called: DYSENCEPHALIA SPLANCHNOCYSTICA; GRUBER SYNDROME; Dysencephalia splachnocystica. Identifiers: Orphanet 564, MedGen C0265215, MONDO:0018921.

Allele frequency attached by ClinVar (database versions not stated): TOPMed 0.00002; gnomAD 0.00004.
gnomAD v4.1: 30 of 1,614,106 alleles (0.0019%); highest among the groups gnomAD compares: East Asian, 0.0022%; no homozygotes.

Submissions (3):

Labcorp Genetics (formerly Invitae), Labcorp
Classification: Uncertain significance for Joubert syndrome; Meckel-Gruber syndrome. Last evaluated: 2025-09-28. Review status: criteria provided, single submitter. Criteria: Invitae Variant Classification Sherloc (09022015). Collection method: clinical testing. Allele origin: germline.
Comment: This sequence change replaces histidine, which is basic and polar, with proline, which is neutral and non-polar, at codon 460 of the TCTN2 protein (p.His460Pro). This variant is present in population databases (rs770515038, gnomAD 0.002%). This variant has not been reported in the literature in individuals affected with TCTN2-related conditions. ClinVar contains an entry for this variant (Variation ID: 1896021). Invitae Evidence Modeling of protein sequence and biophysical properties (such as structural, functional, and spatial information, amino acid conservation, physicochemical variation, residue mobility, and thermodynamic stability) indicates that this missense variant is expected to disrupt TCTN2 protein function with a positive predictive value of 80%. In summary, the available evidence is currently insufficient to determine the role of this variant in disease. Therefore, it has been classified as a Variant of Uncertain Significance.

Ambry Genetics
Classification: Uncertain significance for Inborn genetic diseases. Last evaluated: 2024-11-08. Review status: criteria provided, single submitter. Criteria: Ambry Variant Classification Scheme 2023. Collection method: clinical testing. Allele origin: germline.

Blueprint Genetics
Classification: Uncertain significance. Last evaluated: 2024-02-23. Review status: criteria provided, single submitter. Criteria: ACMG Guidelines, 2015. Collection method: clinical testing. Allele origin: germline.